The following is an entry in ClinVar:

NM_144670.6(A2ML1):c.3503G>C (p.Gly1168Ala)

Gene: A2ML1 (alpha-2-macroglobulin like 1; plus strand). Cytogenetic location: 12p13.31.
Variant type: single nucleotide variant.
Coding change: c.3503G>C on transcript NM_144670.6 (MANE Select); coding-DNA position 3503, G replaced by C.
Protein change: p.Gly1168Ala; replaces glycine 1168 with alanine.
Molecular consequence: missense variant.
Genome position (GRCh38, 1-based): chr12:8,863,794, G>C. VCF-style: chr12-8863794-G-C. GRCh37 (hg19) VCF-style: chr12-9016390-G-C.
Other names: c.2030G>C, p.Gly677Ala (NM_001282424.3); short protein forms G1168A, G677A.
Identifiers: ClinVar variation 2956272 (VCV002956272.3), dbSNP rs772148820, ClinGen allele CA6436407.

ClinVar aggregate classification (germline): Uncertain significance (1 of 4 stars; one submission).

Allele frequency attached by ClinVar (database versions not stated): ExAC 0.00001; gnomAD exomes 0.00001.
gnomAD v4.1: 3 of 1,614,020 alleles (0.00019%); highest among the groups gnomAD compares: Non-Finnish European, 0.000085%; no homozygotes.

Submission:

Labcorp Genetics (formerly Invitae), Labcorp
Classification: Uncertain significance. Last evaluated: 2023-01-22. Review status: criteria provided, single submitter. Criteria: Invitae Variant Classification Sherloc (09022015). Collection method: clinical testing. Allele origin: germline.
Comment: In summary, the available evidence is currently insufficient to determine the role of this variant in disease. Therefore, it has been classified as a Variant of Uncertain Significance. Algorithms developed to predict the effect of sequence changes on RNA splicing suggest that this variant may create or strengthen a splice site. Algorithms developed to predict the effect of missense changes on protein structure and function are either unavailable or do not agree on the potential impact of this missense change (SIFT: "Deleterious"; PolyPhen-2: "Benign"; Align-GVGD: "Class C0"). This variant has not been reported in the literature in individuals affected with A2ML1-related conditions. This variant is present in population databases (rs772148820, gnomAD 0.009%). This sequence change replaces glycine, which is neutral and non-polar, with alanine, which is neutral and non-polar, at codon 1168 of the A2ML1 protein (p.Gly1168Ala).